The following is an entry in ClinVar:

ClinVar aggregate classification (germline): Uncertain significance. Review status: criteria provided, multiple submitters, no conflicts (2 of 4 stars). 6 submissions from 6 submitters: Uncertain significance (6). Last evaluated 2026-03-17.

Conditions:
Inborn genetic diseases. Identifiers: MedGen C0950123, MeSH D030342.
Severe neurodegenerative syndrome with lipodystrophy. Also called: ENCEPHALOPATHY, PROGRESSIVE, WITH LIPODYSTROPHY; Encephalopathy, progressive, with or without lipodystrophy. Identifiers: Orphanet 363400, MedGen C4014700, MONDO:0014402, OMIM 615924.
Congenital generalized lipodystrophy type 2 (CGL2). Also called: SEIP SYNDROME; BERARDINELLI SYNDROME; BRUNZELL SYNDROME, BSCL2-RELATED; Berardinelli-Seip Congenital Lipodystrophy Type 2. Identifiers: Orphanet 528, Orphanet 696289, MedGen C1720863, MONDO:0010020, OMIM 269700.
Hereditary spastic paraplegia 17. Also called: Silver spastic paraplegia syndrome; Spastic Paraplegia 17; Autosomal dominant spastic paraplegia type 17; Silver Syndrome; SPASTIC PARAPLEGIA WITH AMYOTROPHY OF HANDS AND FEET. Identifiers: Orphanet 100998, MedGen C2931276, MONDO:0010043, OMIM 270685.
Neuronopathy, distal hereditary motor, type 5C. Also called: NEURONOPATHY, DISTAL HEREDITARY MOTOR, AUTOSOMAL DOMINANT 13; NEUROPATHY, DISTAL HEREDITARY MOTOR, HARDING TYPE VC; SPINAL MUSCULAR ATROPHY, DISTAL, HARDING TYPE VC; NEURONOPATHY, DISTAL HEREDITARY MOTOR, HARDING TYPE VC; DHMN VC. Identifiers: MedGen C5436838, MONDO:0030860, OMIM 619112.
Charcot-Marie-Tooth disease type 2. Also called: Charcot-Marie-Tooth type 2. Identifiers: Orphanet 64746, MedGen C0270914, MONDO:0018993.

Allele frequency attached by ClinVar (database versions not stated): ExAC 0.00003; ESP Exome Variant Server 0.00008; gnomAD 0.00003; TOPMed 0.00004.
gnomAD v4.1: 129 of 1,613,744 alleles (0.008%); highest among the groups gnomAD compares: Non-Finnish European, 0.01%; no homozygotes.

Submissions (6):

Women's Health and Genetics/Laboratory Corporation of America, LabCorp
Classification: Uncertain significance. Last evaluated: 2026-03-17. Review status: criteria provided, single submitter. Criteria: LabCorp Variant Classification Summary - May 2015. Collection method: clinical testing. Allele origin: germline.
Comment: Variant summary: BSCL2 c.976G>A (p.Glu326Lys) results in a conservative amino acid change in the encoded protein sequence. Algorithms developed to predict the effect of missense changes on protein structure and function are either unavailable or do not agree on the potential impact of this missense change. The variant allele was found at a frequency of 2.8e-05 in 246724 control chromosomes (gnomAD). The available data on variant occurrences in the general population are insufficient to allow any conclusion about variant significance. c.976G>A has been observed in a study of dyslipidemia subjects without clinical or segregation information (Dron_2020). This report does not provide unequivocal conclusions about association of the variant with Congenital generalized lipodystrophy type 2. To our knowledge, no experimental evidence demonstrating an impact on protein function has been reported. The following publication has been ascertained in the context of this evaluation (PMID: 32041611). ClinVar contains an entry for this variant (Variation ID: 245942). Based on the evidence outlined above, the variant was classified as uncertain significance.

Labcorp Genetics (formerly Invitae), Labcorp
Classification: Uncertain significance for Charcot-Marie-Tooth disease type 2. Last evaluated: 2025-11-21. Review status: criteria provided, single submitter. Criteria: Invitae Variant Classification Sherloc (09022015). Collection method: clinical testing. Allele origin: germline.
Comment: This sequence change replaces glutamic acid, which is acidic and polar, with lysine, which is basic and polar, at codon 326 of the BSCL2 protein (p.Glu326Lys). This variant is present in population databases (rs141518903, gnomAD 0.004%). This missense change has been observed in individual(s) with clinical features of BSCL2-related conditions (PMID: 32041611; internal data). ClinVar contains an entry for this variant (Variation ID: 245942). Invitae Evidence Modeling of protein sequence and biophysical properties (such as structural, functional, and spatial information, amino acid conservation, physicochemical variation, residue mobility, and thermodynamic stability) indicates that this missense variant is not expected to disrupt BSCL2 protein function with a negative predictive value of 80%. In summary, the available evidence is currently insufficient to determine the role of this variant in disease. Therefore, it has been classified as a Variant of Uncertain Significance.

Fulgent Genetics
Classification: Uncertain significance for Congenital generalized lipodystrophy type 2; Hereditary spastic paraplegia 17; Severe neurodegenerative syndrome with lipodystrophy; Neuronopathy, distal hereditary motor, type 5C. Last evaluated: 2021-08-31. Review status: criteria provided, single submitter. Criteria: ACMG Guidelines, 2015. Collection method: clinical testing. Allele origin: unknown.

Ambry Genetics
Classification: Uncertain significance for Inborn genetic diseases. Last evaluated: 2020-10-13. Review status: criteria provided, single submitter. Criteria: Ambry Variant Classification Scheme 2023. Collection method: clinical testing. Allele origin: germline.
Comment: The p.E326K variant (also known as c.976G>A), located in coding exon 9 of the BSCL2 gene, results from a G to A substitution at nucleotide position 976. The glutamic acid at codon 326 is replaced by lysine, an amino acid with similar properties. This amino acid position is well conserved in available vertebrate species. In addition, the in silico prediction for this alteration is inconclusive. Since supporting evidence is limited at this time, the clinical significance of this alteration remains unclear.

GeneDx
Classification: Uncertain significance. Last evaluated: 2017-10-02. Review status: criteria provided, single submitter. Criteria: GeneDx Variant Classification (06012015). Collection method: clinical testing. Allele origin: germline. Affected: yes.
Comment: A variant of uncertain significance has been identified in the BSCL2 gene. The E326K variant has not been published as a pathogenic variant, nor has it been reported as a benign variant to our knowledge.The E326K variant is observed in 6/272,528 (0.002%) alleles from large population cohorts (Lek et al., 2016). The E326K variant is a non-conservative amino acid substitution, which is likely to impact secondary protein structure as these residues differ in polarity, charge, size and/or other properties. This substitution occurs at a position where amino acids with similar properties to Glutamic acid are tolerated across species. In silico analysis predicts this variant is probably damaging to the proteinstructure/function. Therefore, based on the currently available information, it is unclear whether this variant is a pathogenic variant or a rare benign variant.

ARUP Laboratories, Molecular Genetics and Genomics, ARUP Laboratories
Classification: Uncertain significance. Last evaluated: 2016-10-06. Review status: criteria provided, single submitter. Criteria: ARUP Molecular Germline Variant Investigation Process. Collection method: clinical testing. Allele origin: germline.

Literature cited by the submitters: PubMed 32041611 (cited by Women's Health and Genetics/Laboratory Corporation of America, LabCorp and Labcorp Genetics (formerly Invitae), Labcorp).

NM_001122955.4(BSCL2):c.1168G>A (p.Glu390Lys)

Genes: HNRNPUL2-BSCL2 (HNRNPUL2-BSCL2 readthrough (NMD candidate); minus strand), BSCL2 (BSCL2 lipid droplet biogenesis associated, seipin; minus strand). Cytogenetic location: 11q12.3.
Variant type: single nucleotide variant.
Coding change: c.1168G>A on transcript NM_001122955.4 (MANE Select); coding-DNA position 1168, G replaced by A.
Protein change: p.Glu390Lys; replaces glutamic acid 390 with lysine.
Molecular consequence: missense variant. On other transcripts: non-coding transcript variant (1), synonymous variant (1).
Genome position (GRCh38, 1-based): chr11:62,690,678, C>T on the plus strand (G>A on the coding strand, the complement: BSCL2 is on the minus strand). VCF-style: chr11-62690678-C-T. GRCh37 (hg19) VCF-style: chr11-62458150-C-T.
Other names: c.834G>A, p.Pro278= (NM_001130702.2); c.1174G>A, p.Glu392Lys (NM_001386027.1); c.1168G>A, p.Glu390Lys (NM_001386028.1); c.976G>A, p.Glu326Lys (NM_032667.6); short protein forms E326K, E390K, E392K.
Identifiers: ClinVar variation 245942 (VCV000245942.20), dbSNP rs141518903, ClinGen allele CA6053302.